The following is an entry in ClinVar:

ClinVar aggregate classification (germline): Conflicting classifications of pathogenicity. Review status: criteria provided, conflicting classifications (1 of 4 stars). 4 submissions from 4 submitters: Uncertain significance (3); Likely benign (1). Last evaluated 2026-07-01.

Conditions:
Familial thoracic aortic aneurysm and aortic dissection (TAAD). Also called: Thoracic aortic aneurysms and dissections. Identifiers: Orphanet 91387, MedGen C4707243, MONDO:0019625.
Marfan syndrome (MFS). Also called: MARFAN SYNDROME, TYPE I; Marfan syndrome type 1; Marfan's syndrome; Marfan syndrome, classic; FBN1-Related Marfan Syndrome. Identifiers: Orphanet 284963, Orphanet 558, MedGen C0024796, MONDO:0007947, OMIM 154700.

Allele frequency attached by ClinVar (database versions not stated): gnomAD exomes below 0.00001 and 0.00001; ExAC 0.00001; TOPMed 0.00003.
gnomAD v4.1: 5 of 1,613,336 alleles (0.00031%); highest among the groups gnomAD compares: East Asian, 0.0045%; no homozygotes.

Submissions (4):

Ambry Genetics
Classification: Uncertain significance for Familial thoracic aortic aneurysm and aortic dissection. Last evaluated: 2026-07-01. Review status: criteria provided, single submitter. Criteria: Ambry Variant Classification Scheme 2023. Collection method: clinical testing. Allele origin: germline.
Comment: The p.R565Q variant (also known as c.1694G>A), located in coding exon 13 of the FBN1 gene, results from a G to A substitution at nucleotide position 1694. The arginine at codon 565 is replaced by glutamine, an amino acid with highly similar properties. This amino acid position is conserved. In addition, this alteration is predicted to be tolerated by in silico analysis. Based on the available evidence, the clinical significance of this variant remains unclear.

Labcorp Genetics (formerly Invitae), Labcorp
Classification: Likely benign for Marfan syndrome; Familial thoracic aortic aneurysm and aortic dissection. Last evaluated: 2024-05-02. Review status: criteria provided, single submitter. Criteria: Invitae Variant Classification Sherloc (09022015). Collection method: clinical testing. Allele origin: germline.

Color Diagnostics, LLC DBA Color Health
Classification: Uncertain significance for Familial thoracic aortic aneurysm and aortic dissection. Last evaluated: 2019-09-24. Review status: criteria provided, single submitter. Criteria: ACMG Guidelines, 2015. Collection method: clinical testing. Allele origin: germline.
Comment: This missense variant replaces arginine with glutamine at codon 565 of the FBN1 protein. Computational prediction tool suggests that this variant may not impact protein structure and function (internally defined REVEL score threshold ≤0.5, PMID: 27666373). Splice site prediction tools suggest that this variant may not impact RNA splicing. To our knowledge, functional studies have not been performed for this variant. This variant has not been reported in individuals affected with cardiovascular disorders in the literature. This variant has been identified in 2/251242 chromosomes in the general population by the Genome Aggregation Database (gnomAD). The available evidence is insufficient to determine the role of this variant in disease conclusively. Therefore, this variant is classified as a Variant of Uncertain Significance.

GeneDx
Classification: Uncertain significance. Last evaluated: 2013-04-15. Review status: criteria provided, single submitter. Criteria: GeneDx Variant Classification (06012015). Collection method: clinical testing. Allele origin: germline. Affected: yes.
Comment: p.Arg565Gln (CGA>CAA): c.1694 G>A in exon 14 of the FBN1 gene (NM_000138.4) The Arg565Gln variant in the FBN1 gene has not been reported as a disease-causing mutation or as a benign polymorphism to our knowledge. Arg565Gln results in a semi-conservative amino acid substitution of a positively-charged Arginine with a neutral Glutamine at a position that is not well conserved across species. Consequently, in silico analysis predicts Arg565Gln is benign to the protein structure/function. However, the Arg565Gln variant was not observed in approximately 6500 individuals of European and African American ancestry in the NHLBI Exome Sequencing Project, indicating it is not a common benign variant in these populations.With the clinical and molecular information available at this time, we cannot definitively determine if Arg565Gln is a disease-causing mutation or a rare benign variant. The variant is found in TAAD panel(s).

NM_000138.5(FBN1):c.1694G>A (p.Arg565Gln)

Gene: FBN1 (fibrillin 1; minus strand). Cytogenetic location: 15q21.1.
Variant type: single nucleotide variant.
Coding change: c.1694G>A on transcript NM_000138.5 (MANE Select); coding-DNA position 1694, G replaced by A.
Protein change: p.Arg565Gln; replaces arginine 565 with glutamine.
Molecular consequence: missense variant.
Genome position (GRCh38, 1-based): chr15:48,510,064, C>T on the plus strand (G>A on the coding strand, the complement: FBN1 is on the minus strand). VCF-style: chr15-48510064-C-T. GRCh37 (hg19) VCF-style: chr15-48802261-C-T.
Other names: p.R565Q:CGA>CAA; short protein forms R565Q.
Identifiers: ClinVar variation 199976 (VCV000199976.15), dbSNP rs763815231, ClinGen allele CA012475.